The following is an entry in ClinVar:

NM_000257.4(MYH7):c.3100-102G>A

Gene: MYH7 (myosin heavy chain 7; minus strand). Cytogenetic location: 14q11.2.
Variant type: single nucleotide variant.
Coding change: c.3100-102G>A on transcript NM_000257.4 (MANE Select); 102 bases into the intron before coding-DNA position 3100, G replaced by A.
Molecular consequence: intron variant.
Genome position (GRCh38, 1-based): chr14:23,422,427, C>T on the plus strand (G>A on the coding strand, the complement: MYH7 is on the minus strand). VCF-style: chr14-23422427-C-T. GRCh37 (hg19) VCF-style: chr14-23891636-C-T.
Identifiers: ClinVar variation 675881 (VCV000675881.2), dbSNP rs79015823, ClinGen allele CA257818023.

ClinVar aggregate classification (germline): Likely benign. Review status: criteria provided, multiple submitters, no conflicts (2 of 4 stars). 2 submissions from 2 submitters: Likely benign (2). Last evaluated 2018-06-16.

Allele frequency attached by ClinVar (database versions not stated): gnomAD exomes 0.00069; gnomAD 0.00666 and 0.00730; 1000 Genomes Project 0.00679; TOPMed 0.00721; 1000 Genomes Project 30x 0.00734.
gnomAD v4.1: 2,006 of 1,531,756 alleles (0.13%); highest among the groups gnomAD compares: African/African-American, 2.3%; 22 homozygotes.

Submissions (2):

GeneDx
Classification: Likely benign. Last evaluated: 2018-06-16. Review status: criteria provided, single submitter. Criteria: GeneDx Variant Classification (06012015). Collection method: clinical testing. Allele origin: germline. Affected: yes.
Comment: This variant is considered likely benign or benign based on one or more of the following criteria: it is a conservative change, it occurs at a poorly conserved position in the protein, it is predicted to be benign by multiple in silico algorithms, and/or has population frequency not consistent with disease.

Breakthrough Genomics
Classification: Likely benign. Review status: criteria provided, single submitter. Criteria: ACMG Guidelines, 2015. Collection method: not provided. Allele origin: germline. Inheritance: Autosomal recessive inheritance. Affected: yes.